The following is an entry in ClinVar:

ClinVar aggregate classification (germline): Likely benign (1 of 4 stars; one submission).

Submission:

Women's Health and Genetics/Laboratory Corporation of America, LabCorp
Classification: Likely benign. Last evaluated: 2026-02-19. Review status: criteria provided, single submitter. Criteria: LabCorp Variant Classification Summary - May 2015. Collection method: clinical testing. Allele origin: germline.
Comment: Variant summary: POGZ c.2235-5dupC alters a non-conserved nucleotide located at a position not widely known to affect splicing. Consensus agreement among computation tools predict no significant impact on normal splicing. However, these predictions have yet to be confirmed by functional studies. The variant allele was found at a frequency of 3.8e-05 in 235922 control chromosomes. The available data on variant occurrences in the general population are insufficient to allow any conclusion about variant significance. To our knowledge, no occurrence of c.2235-5dupC in individuals affected with POGZ-related conditions and no experimental evidence demonstrating its impact on protein function have been reported. No submitters have cited clinical-significance assessments for this variant to ClinVar. Based on the evidence outlined above, the variant was classified as likely benign.

NM_015100.4(POGZ):c.2235-5dup

Gene: POGZ (pogo transposable element derived with ZNF domain; minus strand). Cytogenetic location: 1q21.3.
Variant type: Duplication.
Coding change: c.2235-5dup on transcript NM_015100.4 (MANE Select); 5 bases into the intron before coding-DNA position 2235, one base duplicated (C; older notation c.2235-5dupC).
Molecular consequence: intron variant.
Genome position (GRCh38, 1-based): chr1:151,408,245, G duplicated on the plus strand (C on the coding strand, the reverse complement: POGZ is on the minus strand); the first of 5 consecutive G bases (chr1:151,408,245-151,408,249); duplicating any one gives the same sequence. VCF-style (leftmost placement, unchanged base first): chr1-151408244-T-TG. GRCh37 (hg19) VCF-style: chr1-151380720-T-TG.
Other names: c.2235-5dupC (NM_015100.4); c.2049-5dup (NM_001194938.2); c.1950-5dup (NM_145796.4); c.2208-5dup (NM_001194937.2); c.2256-5dup (NM_001410860.1); c.2076-5dup (NM_207171.2).
Identifiers: ClinVar variation 4848218 (VCV004848218.1).